The following is an entry in ClinVar:

ClinVar aggregate classification (germline): Benign/Likely benign. Review status: criteria provided, multiple submitters, no conflicts (2 of 4 stars). 14 submissions from 8 submitters: Benign (7); Likely benign (6). 1 of the submissions does not count toward it. Last evaluated 2026-02-05.

Conditions:
Basal laminar drusen. Also called: DRUSEN OF BRUCH MEMBRANE; DRUSEN, CUTICULAR; DRUSEN, EARLY ADULT-ONSET, GROUPED. Identifiers: Orphanet 75376, MedGen C0730295, MONDO:0007472, OMIM 126700.
CFH-Related Dense Deposit Disease / Membranoproliferative Glomerulonephritis Type II. Identifiers: MedGen CN071292.
CFH-related disorder. Also called: CFH-related condition; CFH-related disorders.
Age related macular degeneration 4. Identifiers: MedGen C1853147, MONDO:0012540, OMIM 610698.
Hemolytic uremic syndrome, atypical, susceptibility to, 1. Also called: AHUS, SUSCEPTIBILITY TO, 1. Identifiers: Orphanet 2134, Orphanet 90038, MedGen C2749604, MONDO:0009335, OMIM 235400. Disease mechanism: Other.
Factor H deficiency (CFHD). Also called: COMPLEMENT FACTOR H DEFICIENCY; CFH DEFICIENCY. Identifiers: Orphanet 200421, MedGen C0398777, MONDO:0012350, OMIM 609814.

Allele frequency attached by ClinVar (database versions not stated): gnomAD exomes 0.00005 and 0.00029; gnomAD 0.00007 and 0.00010; TOPMed 0.00009; ExAC 0.00032; 1000 Genomes Project 0.00060; 1000 Genomes Project 30x 0.00062.
gnomAD v4.1: 98 of 1,557,084 alleles (0.0063%); highest among the groups gnomAD compares: East Asian, 0.18%; 1 homozygote.

Submissions (14):

Women's Health and Genetics/Laboratory Corporation of America, LabCorp
Classification: Benign. Last evaluated: 2026-02-05. Review status: criteria provided, single submitter. Criteria: LabCorp Variant Classification Summary - May 2015. Collection method: clinical testing. Allele origin: germline.
Comment: Variant summary: CFH c.350+9T>C alters a nucleotide located at a position not widely known to affect splicing. Consensus agreement among computation tools predict no significant impact on normal splicing. However, these predictions have yet to be confirmed by functional studies. The variant allele was found at a frequency of 0.00029 in 251028 control chromosomes, predominantly at a frequency of 0.004 within the East Asian subpopulation in the gnomAD database. The observed variant frequency within East Asian control individuals in the gnomAD database exceeds the estimated maximal expected allele frequency for disease-causing variants in CFH. c.350+9T>C has been observed in individual(s) affected with age-related macular degeneration as well as in the controls (Ng_2008). These report(s) do not provide unequivocal conclusions about association of the variant with Factor H deficiency. To our knowledge, no experimental evidence demonstrating an impact on protein function has been reported. The following publication has been ascertained in the context of this evaluation (PMID: 18421087). ClinVar contains an entry for this variant (Variation ID: 294483). Based on the evidence outlined above, the variant was classified as benign.

Labcorp Genetics (formerly Invitae), Labcorp
Classification: Benign. Last evaluated: 2025-10-09. Review status: criteria provided, single submitter. Criteria: Invitae Variant Classification Sherloc (09022015). Collection method: clinical testing. Allele origin: germline.

Genomenon, Inc
Classification: Likely benign for Age related macular degeneration 4. Last evaluated: 2025-10-02. Review status: criteria provided, single submitter. Criteria: Genomenon Sequence Variant Interpretation Standards - Updated. Collection method: curation. Allele origin: germline. Affected: yes.
Comment: CFH c.350+9T>C is an intronic variant located in intron 3. This variant has been observed in at least one proband affected with age-related macular degeneration (PMID:18421087). This variant’s allele frequency in gnomAD is greater than expected for this disorder. In conclusion, we classify CFH c.350+9T>C as a likely benign variant.

Mayo Clinic Laboratories, Mayo Clinic
Classification: Likely benign. Last evaluated: 2025-02-10. Review status: criteria provided, single submitter. Criteria: ACMG Guidelines, 2015. Collection method: clinical testing. Allele origin: germline. Observed: 3 variant alleles.
Comment: BP4, BP7

Genome-Nilou Lab
Classification: Benign for Hemolytic uremic syndrome, atypical, susceptibility to, 1. Last evaluated: 2023-04-11. Review status: criteria provided, single submitter. Criteria: ACMG Guidelines, 2015. Collection method: clinical testing. Allele origin: germline. Affected: no.

Genome-Nilou Lab
Classification: Benign for Age related macular degeneration 4. Last evaluated: 2023-04-11. Review status: criteria provided, single submitter. Criteria: ACMG Guidelines, 2015. Collection method: clinical testing. Allele origin: germline. Affected: no.

Genome-Nilou Lab
Classification: Benign for Basal laminar drusen. Last evaluated: 2023-04-11. Review status: criteria provided, single submitter. Criteria: ACMG Guidelines, 2015. Collection method: clinical testing. Allele origin: germline. Affected: no.

Genome-Nilou Lab
Classification: Benign for Factor H deficiency. Last evaluated: 2023-04-11. Review status: criteria provided, single submitter. Criteria: ACMG Guidelines, 2015. Collection method: clinical testing. Allele origin: germline. Affected: no.

Fulgent Genetics
Classification: Likely benign for Basal laminar drusen; Hemolytic uremic syndrome, atypical, susceptibility to, 1; Factor H deficiency; Age related macular degeneration 4. Last evaluated: 2021-07-22. Review status: criteria provided, single submitter. Criteria: ACMG Guidelines, 2015. Collection method: clinical testing. Allele origin: unknown.

Illumina Laboratory Services, Illumina
Classification: Likely benign for Basal laminar drusen. Last evaluated: 2018-01-12. Review status: criteria provided, single submitter. Criteria: ICSL Variant Classification Criteria 13 December 2019. Collection method: clinical testing. Allele origin: germline.
Comment: This variant was observed in the ICSL laboratory as part of a predisposition screen in an ostensibly healthy population. It had not been previously curated by ICSL or reported in the Human Gene Mutation Database (HGMD: prior to June 1st, 2018), and was therefore a candidate for classification through an automated scoring system. Utilizing variant allele frequency, disease prevalence and penetrance estimates, and inheritance mode, an automated score was calculated to assess if this variant is too frequent to cause the disease. Based on the score and internal cut-off values, a variant classified as likely benign is not then subjected to further curation. The score for this variant resulted in a classification of likely benign for this disease.

Illumina Laboratory Services, Illumina
Classification: Likely benign for Age related macular degeneration 4. Last evaluated: 2018-01-12. Review status: criteria provided, single submitter. Criteria: ICSL Variant Classification Criteria 13 December 2019. Collection method: clinical testing. Allele origin: germline.
Comment: the same text as in the submission from Illumina Laboratory Services, Illumina above.

Illumina Laboratory Services, Illumina
Classification: Likely benign for Membranoproliferative glomerulonephritis with complement factor h deficiency. Last evaluated: 2018-01-12. Review status: criteria provided, single submitter. Criteria: ICSL Variant Classification Criteria 13 December 2019. Collection method: clinical testing. Allele origin: germline.
Comment: the same text as in the submission from Illumina Laboratory Services, Illumina above.

Illumina Laboratory Services, Illumina
Classification: Benign for Hemolytic uremic syndrome, atypical, susceptibility to, 1. Last evaluated: 2018-01-12. Review status: criteria provided, single submitter. Criteria: ICSL Variant Classification Criteria 13 December 2019. Collection method: clinical testing. Allele origin: germline.
Comment: This variant was observed in the ICSL laboratory as part of a predisposition screen in an ostensibly healthy population. It had not been previously curated by ICSL or reported in the Human Gene Mutation Database (HGMD: prior to June 1st, 2018), and was therefore a candidate for classification through an automated scoring system. Utilizing variant allele frequency, disease prevalence and penetrance estimates, and inheritance mode, an automated score was calculated to assess if this variant is too frequent to cause the disease. Based on the score and internal cut-off values, a variant classified as benign is not then subjected to further curation. The score for this variant resulted in a classification of benign for this disease.

PreventionGenetics, part of Exact Sciences
Classification: Likely benign for CFH-related condition. Last evaluated: 2020-04-27. Review status: no assertion criteria provided. Collection method: clinical testing. Allele origin: germline. Not counted in ClinVar's aggregate classification.
Comment: This variant is classified as likely benign based on ACMG/AMP sequence variant interpretation guidelines (Richards et al. 2015 PMID: 25741868, with internal and published modifications).

Literature cited by the submitters: PubMed 18421087 (cited by Women's Health and Genetics/Laboratory Corporation of America, LabCorp and Genomenon, Inc); PubMed 24482089 (cited by Mayo Clinic Laboratories, Mayo Clinic).

NM_000186.4(CFH):c.350+9T>C

Gene: CFH (complement factor H; plus strand). Cytogenetic location: 1q31.3.
Variant type: single nucleotide variant.
Coding change: c.350+9T>C on transcript NM_000186.4 (MANE Select); 9 bases into the intron after coding-DNA position 350, T replaced by C.
Molecular consequence: intron variant.
Genome position (GRCh38, 1-based): chr1:196,673,971, T>C. VCF-style: chr1-196673971-T-C. GRCh37 (hg19) VCF-style: chr1-196643101-T-C.
Other names: p.?; c.350+9T>C (NM_001014975.3).
Identifiers: ClinVar variation 294483 (VCV000294483.19), dbSNP rs201686629, ClinGen allele CA1305013.